The following is an entry in ClinVar:

ClinVar aggregate classification (germline): Uncertain significance (1 of 4 stars; one submission).

Conditions:
Epilepsy, familial focal, with variable foci 1 (FFEVF1). Also called: DEPDC5-Related Epilepsy. Identifiers: MedGen C4551983, MONDO:0024556, OMIM 604364.

Submission:

Foundation for Research in Genetics and Endocrinology, FRIGE's Institute of Human Genetics
Classification: Uncertain significance for Epilepsy, familial focal, with variable foci 1. Last evaluated: 2023-05-03. Review status: criteria provided, single submitter. Criteria: ACMG Guidelines, 2015. Collection method: clinical testing. Allele origin: germline. Inheritance: Autosomal dominant inheritance. Affected: yes. Observed: 1 heterozygote.
Comment: The identified heterozygous missense substitution (p.Thr739Ala) lies in exon 26 of the DEPDC5 gene and alters a highly conserved residue in the protein. The in-silico prediction of the variant is damaging by LRT, Mutation Assessor, Mutation Taster and SIFT. In summary, the variant meets our criteria to be classified as variant of uncertain significance.

NM_001242896.3(DEPDC5):c.2242A>G (p.Thr748Ala)

Gene: DEPDC5 (DEP domain containing 5, GATOR1 subcomplex subunit; plus strand). Cytogenetic location: 22q12.3.
Variant type: single nucleotide variant.
Coding change: c.2242A>G on transcript NM_001242896.3 (MANE Select); coding-DNA position 2242, A replaced by G.
Protein change: p.Thr748Ala; replaces threonine 748 with alanine.
Molecular consequence: missense variant. On other transcripts: non-coding transcript variant (4).
Genome position (GRCh38, 1-based): chr22:31,837,043, A>G. VCF-style: chr22-31837043-A-G. GRCh37 (hg19) VCF-style: chr22-32233029-A-G.
Other names: p.Thr739Ala; c.2215A>G, p.Thr739Ala (NM_001136029.4, NM_001369903.1, NM_014662.6); c.2008A>G, p.Thr670Ala (NM_001242897.2, NM_001363854.2, NM_001364319.2); c.2242A>G, p.Thr748Ala (NM_001363852.2, NM_001364318.2, NM_001364320.2); c.2158A>G, p.Thr720Ala (NM_001369901.1, NM_001369902.1); short protein forms T670A, T720A, T739A, T748A.
Identifiers: ClinVar variation 2501303 (VCV002501303.2), dbSNP rs2519878582, ClinGen allele CA411285325.
Genomic context (GRCh38, chr22:31,837,043, plus strand): 5'-TCTGCTCCCCCTGTAGTGCCAGGCTTCTGTTGCACAGTTGGAGTGGACTGGAAGTCTCTC[A>G]CTACTCCGGCGTGCCTCCCCCTTACCACCGACTACTTCCCTGACCGCCAGGGCCTGCAGA-3'
Protein context (NP_001229825.1, residues 738-758): CTVGVDWKSL[Thr748Ala]TPACLPLTTD